The following is an entry in ClinVar:

NM_172107.4(KCNQ2):c.216C>G (p.Ala72=)

Gene: KCNQ2 (potassium voltage-gated channel subfamily Q member 2; minus strand). Cytogenetic location: 20q13.33.
Variant type: single nucleotide variant.
Coding change: c.216C>G on transcript NM_172107.4 (MANE Select); coding-DNA position 216, C replaced by G.
Protein change: p.Ala72=; no amino-acid change (alanine 72 retained).
Molecular consequence: synonymous variant.
Genome position (GRCh38, 1-based): chr20:63,472,248, G>C on the plus strand (C>G on the coding strand, the complement: KCNQ2 is on the minus strand). VCF-style: chr20-63472248-G-C. GRCh37 (hg19) VCF-style: chr20-62103601-G-C.
Other names: c.216C>G, p.Ala72= (NM_001382235.1, NM_001439003.1, NM_001439004.1 and 4 more transcripts).
Identifiers: ClinVar variation 4281296 (VCV004281296.7).
Genomic context (GRCh38, chr20:63,472,248, plus strand): 5'-CGCCCAGCCGCGCGGCCGCTCCAGCACGTTGTAGAGGAAATTCTGCAGCTTGCGGTAGAA[G>C]GCGTTGCGCTTGGGGGGCTTCCCGGCGCCCGCGCCGCCCGCGCGAGGTTTGCTGAGGATG-3'
Protein context (NP_742105.1, residues 62-82): AGAGKPPKRN[Ala72=]FYRKLQNFLY

ClinVar aggregate classification (germline): Likely benign (1 of 4 stars; one submission).

gnomAD v4.1: 33 of 1,539,964 alleles (0.0021%); highest among the groups gnomAD compares: Non-Finnish European, 0.0028%; no homozygotes.

Submission:

CeGaT Center for Human Genetics Tuebingen
Classification: Likely benign. Last evaluated: 2026-01-01. Review status: criteria provided, single submitter. Criteria: CeGaT Center For Human Genetics Tuebingen Variant Classification Criteria Version 2. Collection method: clinical testing. Allele origin: germline. Affected: yes. Observed: 1 variant allele.
Comment: KCNQ2: BP4, BP7